The following is an entry in ClinVar:

ClinVar aggregate classification (germline): Uncertain significance. Review status: criteria provided, multiple submitters, no conflicts (2 of 4 stars). 2 submissions from 2 submitters: Uncertain significance (2). Last evaluated 2025-06-12.

Conditions:
Prune belly syndrome. Also called: Prune belly. Identifiers: Orphanet 2970, MedGen C0033770, MONDO:0007032, OMIM 100100, HP:0004392.

Allele frequency attached by ClinVar (database versions not stated): ExAC 0.00012; gnomAD 0.00015; TOPMed 0.00017; gnomAD exomes 0.00022; ESP Exome Variant Server 0.00023; 1000 Genomes Project 30x 0.00031; 1000 Genomes Project 0.00040.
gnomAD v4.1: 337 of 1,609,380 alleles (0.021%); highest among the groups gnomAD compares: Non-Finnish European, 0.025%; no homozygotes.

Submissions (2):

Labcorp Genetics (formerly Invitae), Labcorp
Classification: Uncertain significance. Last evaluated: 2025-06-12. Review status: criteria provided, single submitter. Criteria: Invitae Variant Classification Sherloc (09022015). Collection method: clinical testing. Allele origin: germline.
Comment: This sequence change replaces alanine, which is neutral and non-polar, with threonine, which is neutral and polar, at codon 585 of the CHRM3 protein (p.Ala585Thr). This variant is present in population databases (rs189146647, gnomAD 0.03%). This variant has not been reported in the literature in individuals affected with CHRM3-related conditions. ClinVar contains an entry for this variant (Variation ID: 2062223). An algorithm developed to predict the effect of missense changes on protein structure and function outputs the following: PolyPhen-2: "Benign". The threonine amino acid residue is found in multiple mammalian species, which suggests that this missense change does not adversely affect protein function. In summary, the available evidence is currently insufficient to determine the role of this variant in disease. Therefore, it has been classified as a Variant of Uncertain Significance.

Fulgent Genetics
Classification: Uncertain significance for Prune belly syndrome. Last evaluated: 2024-05-06. Review status: criteria provided, single submitter. Criteria: ACMG Guidelines, 2015. Collection method: clinical testing. Allele origin: germline.

NM_001375978.1(CHRM3):c.1753G>A (p.Ala585Thr)

Gene: CHRM3 (cholinergic receptor muscarinic 3; plus strand). Cytogenetic location: 1q43.
Variant type: single nucleotide variant.
Coding change: c.1753G>A on transcript NM_001375978.1 (MANE Select); coding-DNA position 1753, G replaced by A.
Protein change: p.Ala585Thr; replaces alanine 585 with threonine.
Molecular consequence: missense variant.
Genome position (GRCh38, 1-based): chr1:239,909,204, G>A. VCF-style: chr1-239909204-G-A. GRCh37 (hg19) VCF-style: chr1-240072504-G-A.
Other names: c.1753G>A, p.Ala585Thr (NM_000740.4, NM_001347716.2, NM_001375979.1 and 6 more transcripts); c.1753G>A (NM_000740.3); short protein forms A585T.
Identifiers: ClinVar variation 2062223 (VCV002062223.5), dbSNP rs189146647, ClinGen allele CA1475982.